The following is an entry in ClinVar:

NM_004984.4(KIF5A):c.1994G>A (p.Ser665Asn)

Gene: KIF5A (kinesin family member 5A; plus strand). Cytogenetic location: 12q13.3.
Variant type: single nucleotide variant.
Coding change: c.1994G>A on transcript NM_004984.4 (MANE Select); coding-DNA position 1994, G replaced by A.
Protein change: p.Ser665Asn; replaces serine 665 with asparagine.
Molecular consequence: missense variant.
Genome position (GRCh38, 1-based): chr12:57,575,728, G>A. VCF-style: chr12-57575728-G-A. GRCh37 (hg19) VCF-style: chr12-57969511-G-A.
Other names: c.1727G>A, p.Ser576Asn (NM_001354705.2); short protein forms S665N, S576N.
Identifiers: ClinVar variation 2910497 (VCV002910497.3), dbSNP rs1882402738, ClinGen allele CA385510687.
Genomic context (GRCh38, chr12:57,575,728, plus strand): 5'-AATACATGCAGAGCGTGGAGCTAAAGAAGCGGCACCTGGAAGAGTCCTATGACTCCTTGA[G>A]CGATGAGCTGGCCAAGCTCCAGGCCCAGGGTGAGGCCTTCTTATACCTCCATCCCACTGT-3'
Protein context (NP_004975.2, residues 655-675): RHLEESYDSL[Ser665Asn]DELAKLQAQE

ClinVar aggregate classification (germline): Uncertain significance (1 of 4 stars; one submission).

Conditions:
Spastic paraplegia. Identifiers: MedGen C0037772, HP:0001258.

Allele frequency attached by ClinVar (database versions not stated): TOPMed below 0.00001.

Submission:

Labcorp Genetics (formerly Invitae), Labcorp
Classification: Uncertain significance for Spastic paraplegia. Last evaluated: 2023-07-14. Review status: criteria provided, single submitter. Criteria: Invitae Variant Classification Sherloc (09022015). Collection method: clinical testing. Allele origin: germline.
Comment: Advanced modeling of protein sequence and biophysical properties (such as structural, functional, and spatial information, amino acid conservation, physicochemical variation, residue mobility, and thermodynamic stability) performed at Invitae indicates that this missense variant is not expected to disrupt KIF5A protein function. In summary, the available evidence is currently insufficient to determine the role of this variant in disease. Therefore, it has been classified as a Variant of Uncertain Significance. This sequence change replaces serine, which is neutral and polar, with asparagine, which is neutral and polar, at codon 665 of the KIF5A protein (p.Ser665Asn). This variant is not present in population databases (gnomAD no frequency). This variant has not been reported in the literature in individuals affected with KIF5A-related conditions.